The following is an entry in ClinVar:

ClinVar aggregate classification (germline): Uncertain significance. Review status: criteria provided, multiple submitters, no conflicts (2 of 4 stars). 2 submissions from 2 submitters: Uncertain significance (2). Last evaluated 2022-05-12.

Conditions:
Severe combined immunodeficiency due to DNA-PKcs deficiency. Also called: IMMUNODEFICIENCY 26 WITH NEUROLOGIC ABNORMALITIES; Immunodeficiency 26 with or without neurologic abnormalities. Identifiers: Orphanet 317425, MedGen C4014833, MONDO:0014423, OMIM 615966.

Allele frequency attached by ClinVar (database versions not stated): gnomAD 0.00003; TOPMed 0.00004.
gnomAD v4.1: 96 of 1,571,192 alleles (0.0061%); highest among the groups gnomAD compares: Non-Finnish European, 0.0078%; no homozygotes.

Submissions (2):

Labcorp Genetics (formerly Invitae), Labcorp
Classification: Uncertain significance for Severe combined immunodeficiency due to DNA-PKcs deficiency. Last evaluated: 2022-05-12. Review status: criteria provided, single submitter. Criteria: Invitae Variant Classification Sherloc (09022015). Collection method: clinical testing. Allele origin: germline.
Comment: This sequence change replaces arginine, which is basic and polar, with cysteine, which is neutral and slightly polar, at codon 198 of the PRKDC protein (p.Arg198Cys). The frequency data for this variant in the population databases is considered unreliable, as metrics indicate poor data quality at this position in the gnomAD database. This variant has not been reported in the literature in individuals affected with PRKDC-related conditions. Experimental studies and prediction algorithms are not available or were not evaluated, and the functional significance of this variant is currently unknown. In summary, the available evidence is currently insufficient to determine the role of this variant in disease. Therefore, it has been classified as a Variant of Uncertain Significance.

Ambry Genetics
Classification: Uncertain significance. Last evaluated: 2022-01-04. Review status: criteria provided, single submitter. Criteria: Ambry Variant Classification Scheme 2023. Collection method: clinical testing. Allele origin: germline.

NM_006904.7(PRKDC):c.592C>T (p.Arg198Cys)

Gene: PRKDC (protein kinase, DNA-activated, catalytic subunit; minus strand). Cytogenetic location: 8q11.21.
Variant type: single nucleotide variant.
Coding change: c.592C>T on transcript NM_006904.7 (MANE Select); coding-DNA position 592, C replaced by T.
Protein change: p.Arg198Cys; replaces arginine 198 with cysteine.
Molecular consequence: missense variant.
Genome position (GRCh38, 1-based): chr8:47,953,836, G>A on the plus strand (C>T on the coding strand, the complement: PRKDC is on the minus strand). VCF-style: chr8-47953836-G-A. GRCh37 (hg19) VCF-style: chr8-48866396-G-A.
Other names: c.592C>T, p.Arg198Cys (NM_001081640.2); short protein forms R198C.
Identifiers: ClinVar variation 2191096 (VCV002191096.2), dbSNP rs771772013, ClinGen allele CA4741990.
Genomic context (GRCh38, chr8:47,953,836, plus strand): 5'-TGGAAGCAGAATGTCATAAAGTTCATCATACCTGGGTCTTAAGTTCACCCAGAAAAGCGC[G>A]GAACAGGTTTTCTGCATTATTTATCATCTCACTAGGATGAACTTCACCCAATAATCCTAG-3'
Protein context (NP_008835.5, residues 188-208): EMINNAENLF[Arg198Cys]AFLGELKTQM